The following is an entry in ClinVar:

ClinVar aggregate classification (germline): Pathogenic (1 of 4 stars; one submission).

Submission:

GeneDx
Classification: Pathogenic. Last evaluated: 2025-02-05. Review status: criteria provided, single submitter. Criteria: GeneDx Variant Classification Process June 2021. Collection method: clinical testing. Allele origin: germline. Affected: yes.
Comment: Canonical splice site variant predicted to result in a null allele in a gene for which loss of function is a known mechanism of disease; Not observed at significant frequency in large population cohorts (gnomAD); Has not been previously published as pathogenic or benign to our knowledge

NM_004434.3(EML1):c.547+1G>T

Gene: EML1 (EMAP like 1; plus strand). Cytogenetic location: 14q32.2.
Variant type: single nucleotide variant.
Coding change: c.547+1G>T on transcript NM_004434.3 (MANE Select); the canonical splice donor site of the intron after coding-DNA position 547, G replaced by T.
Molecular consequence: splice donor variant.
Genome position (GRCh38, 1-based): chr14:99,891,228, G>T. VCF-style: chr14-99891228-G-T. GRCh37 (hg19) VCF-style: chr14-100357565-G-T.
Other names: c.508+1G>T (NM_001375411.1, NM_001440377.1); c.604+1G>T (NM_001008707.2); c.547+1G>T (NM_001375412.1); c.565+1G>T (NM_001440375.1, NM_001440376.1).
Identifiers: ClinVar variation 4796662 (VCV004796662.1).